The following is an entry in ClinVar:

ClinVar aggregate classification (germline): Uncertain significance. Review status: criteria provided, multiple submitters, no conflicts (2 of 4 stars). 5 submissions from 4 submitters: Uncertain significance (5). Last evaluated 2025-02-26.

Conditions:
Cataract 38. Also called: Cataract, autosomal recessive congenital 5; Cataract 38, autosomal recessive. Identifiers: Orphanet 91492, MedGen C3553494, MONDO:0013859, OMIM 614691.
Sengers syndrome. Also called: MITOCHONDRIAL DNA DEPLETION SYNDROME 10 (CARDIOMYOPATHIC TYPE); Cardiomyopathy and cataract. Identifiers: Orphanet 1369, MedGen C1859317, MONDO:0008922, OMIM 212350.
Inborn genetic diseases. Identifiers: MedGen C0950123, MeSH D030342.

Allele frequency attached by ClinVar (database versions not stated): ExAC 0.00012; gnomAD exomes 0.00012 and 0.00029; ESP Exome Variant Server 0.00015; 1000 Genomes Project 30x 0.00016; 1000 Genomes Project 0.00020; gnomAD 0.00021; TOPMed 0.00023.
gnomAD v4.1: 449 of 1,613,358 alleles (0.028%); highest among the groups gnomAD compares: Non-Finnish European, 0.036%; no homozygotes.

Submissions (5):

GeneDx
Classification: Uncertain significance. Last evaluated: 2025-02-26. Review status: criteria provided, single submitter. Criteria: GeneDx Variant Classification Process June 2021. Collection method: clinical testing. Allele origin: germline.
Comment: In silico analysis indicates that this missense variant does not alter protein structure/function; Has not been previously published as pathogenic or benign to our knowledge

Labcorp Genetics (formerly Invitae), Labcorp
Classification: Uncertain significance for Sengers syndrome; Cataract 38. Last evaluated: 2022-09-18. Review status: criteria provided, single submitter. Criteria: Invitae Variant Classification Sherloc (09022015). Collection method: clinical testing. Allele origin: germline.
Comment: This sequence change replaces histidine, which is basic and polar, with tyrosine, which is neutral and polar, at codon 248 of the AGK protein (p.His248Tyr). This variant is present in population databases (rs78219214, gnomAD 0.02%). This variant has not been reported in the literature in individuals affected with AGK-related conditions. ClinVar contains an entry for this variant (Variation ID: 908979). Advanced modeling of protein sequence and biophysical properties (such as structural, functional, and spatial information, amino acid conservation, physicochemical variation, residue mobility, and thermodynamic stability) performed at Invitae indicates that this missense variant is not expected to disrupt AGK protein function. In summary, the available evidence is currently insufficient to determine the role of this variant in disease. Therefore, it has been classified as a Variant of Uncertain Significance.

Ambry Genetics
Classification: Uncertain significance for Inborn genetic diseases. Last evaluated: 2021-10-12. Review status: criteria provided, single submitter. Criteria: Ambry Variant Classification Scheme 2023. Collection method: clinical testing. Allele origin: germline.

Illumina Laboratory Services, Illumina
Classification: Uncertain significance for Cataract 38. Last evaluated: 2018-01-12. Review status: criteria provided, single submitter. Criteria: ICSL Variant Classification Criteria 13 December 2019. Collection method: clinical testing. Allele origin: germline.

Illumina Laboratory Services, Illumina
Classification: Uncertain significance for Sengers syndrome. Last evaluated: 2018-01-12. Review status: criteria provided, single submitter. Criteria: ICSL Variant Classification Criteria 13 December 2019. Collection method: clinical testing. Allele origin: germline.

NM_018238.4(AGK):c.742C>T (p.His248Tyr)

Gene: AGK (acylglycerol kinase; plus strand). Cytogenetic location: 7q34.
Variant type: single nucleotide variant.
Coding change: c.742C>T on transcript NM_018238.4 (MANE Select); coding-DNA position 742, C replaced by T.
Protein change: p.His248Tyr; replaces histidine 248 with tyrosine.
Molecular consequence: missense variant.
Genome position (GRCh38, 1-based): chr7:141,641,263, C>T. VCF-style: chr7-141641263-C-T. GRCh37 (hg19) VCF-style: chr7-141341063-C-T.
Other names: c.742C>T, p.His248Tyr (NM_001364948.3); short protein forms H248Y.
Identifiers: ClinVar variation 908979 (VCV000908979.8), dbSNP rs78219214, ClinGen allele CA4517575.
Genomic context (GRCh38, chr7:141,641,263, plus strand): 5'-GAATTGTACATGCATAACAAAATTTTTCTCTCTCCACATTAAAAGGAGTGGCCTCAGACT[C>T]ATCAAGCCTCTATCTCATACACGGGACCTACAGAGAGACCTCCCAATGAACCAGAGGAGA-3'
Protein context (NP_060708.1, residues 238-258): FSTLKEWPQT[His248Tyr]QASISYTGPT